The following is an entry in ClinVar:

NM_000183.3(HADHB):c.134C>T (p.Thr45Met)

Gene: HADHB (hydroxyacyl-CoA dehydrogenase trifunctional multienzyme complex subunit beta; plus strand). Cytogenetic location: 2p23.3.
Variant type: single nucleotide variant.
Coding change: c.134C>T on transcript NM_000183.3 (MANE Select); coding-DNA position 134, C replaced by T.
Protein change: p.Thr45Met; replaces threonine 45 with methionine.
Molecular consequence: missense variant.
Genome position (GRCh38, 1-based): chr2:26,263,404, C>T. VCF-style: chr2-26263404-C-T. GRCh37 (hg19) VCF-style: chr2-26486272-C-T.
Other names: c.134C>T, p.Thr45Met (NM_001281512.2); c.68C>T, p.Thr23Met (NM_001281513.2); short protein forms T23M, T45M.
Identifiers: ClinVar variation 999627 (VCV000999627.12), dbSNP rs754537494, ClinGen allele CA1560102.
Genomic context (GRCh38, chr2:26,263,404, plus strand): 5'-AATTAGTAGTTTTTGTTTTTAAACTTTATCTTAAAGCTGTCCAGACCAAAACGAAGAAGA[C>T]GTTAGCCAAACCCAATATAAGGAATGTTGTGGTGGTGGATGGTGTTCGCACTCCATTTTT-3'
Protein context (NP_000174.1, residues 35-55): APAVQTKTKK[Thr45Met]LAKPNIRNVV

ClinVar aggregate classification (germline): Uncertain significance (1 of 4 stars; one submission).

Conditions:
Mitochondrial trifunctional protein deficiency. Identifiers: Orphanet 746, MedGen C1969443, MONDO:0012172.

Allele frequency attached by ClinVar (database versions not stated): ExAC 0.00002; gnomAD exomes 0.00002; TOPMed 0.00002.
gnomAD v4.1: 36 of 1,611,584 alleles (0.0022%); highest among the groups gnomAD compares: East Asian, 0.0045%; no homozygotes.

Submission:

Labcorp Genetics (formerly Invitae), Labcorp
Classification: Uncertain significance for Mitochondrial trifunctional protein deficiency. Last evaluated: 2022-08-23. Review status: criteria provided, single submitter. Criteria: Invitae Variant Classification Sherloc (09022015). Collection method: clinical testing. Allele origin: germline.
Comment: This sequence change replaces threonine, which is neutral and polar, with methionine, which is neutral and non-polar, at codon 45 of the HADHB protein (p.Thr45Met). This variant is present in population databases (rs754537494, gnomAD 0.02%). This variant has not been reported in the literature in individuals affected with HADHB-related conditions. ClinVar contains an entry for this variant (Variation ID: 999627). Algorithms developed to predict the effect of missense changes on protein structure and function are either unavailable or do not agree on the potential impact of this missense change (SIFT: "Deleterious"; PolyPhen-2: "Probably Damaging"; Align-GVGD: "Class C0"). In summary, the available evidence is currently insufficient to determine the role of this variant in disease. Therefore, it has been classified as a Variant of Uncertain Significance.